The following is an entry in ClinVar:

ClinVar aggregate classification (germline): Conflicting classifications of pathogenicity. Review status: criteria provided, conflicting classifications (1 of 4 stars). 2 submissions from 2 submitters: Likely pathogenic (1); Uncertain significance (1). Last evaluated 2025-06-12.

Conditions:
Multiple endocrine neoplasia, type 1 (MEN1). Also called: MEA I; MEN I; WERMER SYNDROME; Endocrine adenomatosis multiple; MEN 1. Identifiers: Orphanet 652, MedGen C0025267, MeSH D018761, MONDO:0007540, OMIM 131100.
Hereditary cancer-predisposing syndrome. Also called: Neoplastic Syndromes, Hereditary; Tumor predisposition; Hereditary Cancer Syndrome; Hereditary neoplastic syndrome. Identifiers: Orphanet 140162, MedGen C0027672, MeSH D009386, MONDO:0015356.

Submissions (2):

Ambry Genetics
Classification: Likely pathogenic for Hereditary cancer-predisposing syndrome. Last evaluated: 2025-06-12. Review status: criteria provided, single submitter. Criteria: Ambry Variant Classification Scheme 2023. Collection method: clinical testing. Allele origin: germline.
Comment: The p.L152W variant (also known as c.455T>G), located in coding exon 2 of the MEN1 gene, results from a T to G substitution at nucleotide position 455. The leucine at codon 152 is replaced by tryptophan, an amino acid with similar properties. This variant was reported in individual(s) with features consistent with multiple endocrine neoplasia type 1 (Ambry internal data). This variant is considered to be rare based on population cohorts in the Genome Aggregation Database (gnomAD). This amino acid position is highly conserved in available vertebrate species. In addition, this alteration is predicted to be deleterious by in silico analysis. Based on the majority of available evidence to date, this variant is likely to be pathogenic.

Labcorp Genetics (formerly Invitae), Labcorp
Classification: Uncertain significance for Multiple endocrine neoplasia, type 1. Last evaluated: 2024-11-05. Review status: criteria provided, single submitter. Criteria: Invitae Variant Classification Sherloc (09022015). Collection method: clinical testing. Allele origin: germline.
Comment: This sequence change replaces leucine, which is neutral and non-polar, with tryptophan, which is neutral and slightly polar, at codon 152 of the MEN1 protein (p.Leu152Trp). This variant is not present in population databases (gnomAD no frequency). This missense change has been observed in individual(s) with clinical features of MEN1-related condition (PMID: 30869828). ClinVar contains an entry for this variant (Variation ID: 1741490). Invitae Evidence Modeling of protein sequence and biophysical properties (such as structural, functional, and spatial information, amino acid conservation, physicochemical variation, residue mobility, and thermodynamic stability) indicates that this missense variant is expected to disrupt MEN1 protein function with a positive predictive value of 95%. In summary, the available evidence is currently insufficient to determine the role of this variant in disease. Therefore, it has been classified as a Variant of Uncertain Significance.

Literature cited by the submitters: PubMed 9709976 (cited by Ambry Genetics); PubMed 30869828 (cited by Labcorp Genetics (formerly Invitae), Labcorp).

NM_001370259.2(MEN1):c.455T>G (p.Leu152Trp)

Gene: MEN1 (menin 1; minus strand). Cytogenetic location: 11q13.1.
Variant type: single nucleotide variant.
Coding change: c.455T>G on transcript NM_001370259.2 (MANE Select); coding-DNA position 455, T replaced by G.
Protein change: p.Leu152Trp; replaces leucine 152 with tryptophan.
Molecular consequence: missense variant.
Genome position (GRCh38, 1-based): chr11:64,808,090, A>C on the plus strand (T>G on the coding strand, the complement: MEN1 is on the minus strand). VCF-style: chr11-64808090-A-C. GRCh37 (hg19) VCF-style: chr11-64575562-A-C.
Other names: c.470T>G, p.Leu157Trp (NM_000244.4, NM_001407145.1, NM_001407150.1 and 5 more transcripts); c.455T>G, p.Leu152Trp (NM_001370251.2, NM_001370260.2, NM_001370261.2 and 12 more transcripts); short protein forms L152W, L157W.
Identifiers: ClinVar variation 1741490 (VCV001741490.5), dbSNP rs2136159431, ClinGen allele CA381186301.